The following is an entry in ClinVar:

NM_152564.5(VPS13B):c.7820T>C (p.Phe2607Ser)

Gene: VPS13B (vacuolar protein sorting 13 homolog B; plus strand). Cytogenetic location: 8q22.2.
Variant type: single nucleotide variant.
Coding change: c.7820T>C on transcript NM_152564.5 (MANE Select); coding-DNA position 7820, T replaced by C.
Protein change: p.Phe2607Ser; replaces phenylalanine 2607 with serine.
Molecular consequence: missense variant.
Genome position (GRCh38, 1-based): chr8:99,784,355, T>C. VCF-style: chr8-99784355-T-C. GRCh37 (hg19) VCF-style: chr8-100796583-T-C.
Other names: c.7895T>C, p.Phe2632Ser (NM_017890.5); short protein forms F2607S, F2632S.
Identifiers: ClinVar variation 1965081 (VCV001965081.2), dbSNP rs370370264, ClinGen allele CA4824311.

ClinVar aggregate classification (germline): Uncertain significance (1 of 4 stars; one submission).

Conditions:
Cohen syndrome (COH1). Also called: Cutis verticis gyrata, retinitis pigmentosa, and sensorineural deafness; PEPPER SYNDROME. Identifiers: Orphanet 193, MedGen C0265223, MONDO:0008999, OMIM 216550.

Allele frequency attached by ClinVar (database versions not stated): gnomAD exomes below 0.00001; gnomAD 0.00001; ExAC 0.00002; TOPMed 0.00002; ESP Exome Variant Server 0.00008.
gnomAD v4.1: 6 of 1,613,630 alleles (0.00037%); highest among the groups gnomAD compares: African/African-American, 0.0053%; no homozygotes.

Submission:

Labcorp Genetics (formerly Invitae), Labcorp
Classification: Uncertain significance for Cohen syndrome. Last evaluated: 2022-06-08. Review status: criteria provided, single submitter. Criteria: Invitae Variant Classification Sherloc (09022015). Collection method: clinical testing. Allele origin: germline.
Comment: This sequence change replaces phenylalanine, which is neutral and non-polar, with serine, which is neutral and polar, at codon 2632 of the VPS13B protein (p.Phe2632Ser). This variant is present in population databases (rs370370264, gnomAD 0.02%). This variant has not been reported in the literature in individuals affected with VPS13B-related conditions. Algorithms developed to predict the effect of missense changes on protein structure and function are either unavailable or do not agree on the potential impact of this missense change (SIFT: "Not Available"; PolyPhen-2: "Possibly Damaging"; Align-GVGD: "Not Available"). In summary, the available evidence is currently insufficient to determine the role of this variant in disease. Therefore, it has been classified as a Variant of Uncertain Significance.